The following is an entry in ClinVar:

ClinVar aggregate classification (germline): Likely pathogenic (1 of 4 stars; one submission).

Submission:

Labcorp Genetics (formerly Invitae), Labcorp
Classification: Likely pathogenic. Last evaluated: 2023-10-04. Review status: criteria provided, single submitter. Criteria: Invitae Variant Classification Sherloc (09022015). Collection method: clinical testing. Allele origin: germline.
Comment: This sequence change affects a donor splice site in intron 14 of the SLC4A1 gene. It is expected to disrupt RNA splicing. Variants that disrupt the donor or acceptor splice site typically lead to a loss of protein function (PMID: 16199547), and loss-of-function variants in SLC4A1 are known to be pathogenic (PMID: 8943874, 10926824, 23255290). This variant is not present in population databases (gnomAD no frequency). This variant has not been reported in the literature in individuals affected with SLC4A1-related conditions. Algorithms developed to predict the effect of sequence changes on RNA splicing suggest that this variant may disrupt the consensus splice site. In summary, the currently available evidence indicates that the variant is pathogenic, but additional data are needed to prove that conclusively. Therefore, this variant has been classified as Likely Pathogenic.

Literature cited by the submitters: PubMed 16199547; PubMed 8943874; PubMed 10926824; PubMed 23255290.

NM_000342.4(SLC4A1):c.1800+1G>A

Gene: SLC4A1 (solute carrier family 4 member 1 (Diego blood group); minus strand). Cytogenetic location: 17q21.31.
Variant type: single nucleotide variant.
Coding change: c.1800+1G>A on transcript NM_000342.4 (MANE Select); the canonical splice donor site of the intron after coding-DNA position 1800, G replaced by A.
Molecular consequence: splice donor variant.
Genome position (GRCh38, 1-based): chr17:44,255,672, C>T on the plus strand (G>A on the coding strand, the complement: SLC4A1 is on the minus strand). VCF-style: chr17-44255672-C-T. GRCh37 (hg19) VCF-style: chr17-42333040-C-T.
Identifiers: ClinVar variation 2765491 (VCV002765491.3), dbSNP rs2509964040, ClinGen allele CA399784009.